The following is an entry in ClinVar:

NM_001199397.3(NEK1):c.2588-2A>G

Gene: NEK1 (NIMA related kinase 1; minus strand). Cytogenetic location: 4q33.
Variant type: single nucleotide variant.
Coding change: c.2588-2A>G on transcript NM_001199397.3 (MANE Select); the canonical splice acceptor site of the intron before coding-DNA position 2588, A replaced by G.
Molecular consequence: splice acceptor variant. On other transcripts: intron variant (1).
Genome position (GRCh38, 1-based): chr4:169,438,261, T>C on the plus strand (A>G on the coding strand, the complement: NEK1 is on the minus strand). VCF-style: chr4-169438261-T-C. GRCh37 (hg19) VCF-style: chr4-170359412-T-C.
Other names: c.2282-4596A>G (NM_001374421.1); c.2453-2A>G (NM_001374420.1); c.2297-2A>G (NM_001199399.3); c.2456-2A>G (NM_001199398.3); c.2504-2A>G (NM_001374419.1, NM_012224.4); c.2372-2A>G (NM_001199400.3); c.2588-2A>G (NM_001374418.1).
Identifiers: ClinVar variation 1474082 (VCV001474082.13), dbSNP rs201769828, ClinGen allele CA3137369.

ClinVar aggregate classification (germline): Conflicting classifications of pathogenicity. Review status: criteria provided, conflicting classifications (1 of 4 stars). 5 submissions from 5 submitters: Likely pathogenic (4); Uncertain significance (1). Last evaluated 2025-02-16.

Conditions:
Short-rib thoracic dysplasia 6 with or without polydactyly (SRTD6). Also called: POLYDACTYLY WITH NEONATAL CHONDRODYSTROPHY, TYPE II; SHORT RIB-POLYDACTYLY SYNDROME, TYPE IIA; SHORT-RIB THORACIC DYSPLASIA 6 WITH POLYDACTYLY; SHORT-RIB THORACIC DYSPLASIA 6 WITHOUT POLYDACTYLY; Majewski Syndrome. Identifiers: MedGen C0024507, MONDO:0009894, OMIM 263520.
Mohr syndrome (OFD2). Also called: OFDS II; ORAL-FACIAL-DIGITAL SYNDROME, TYPE II; OROFACIODIGITAL SYNDROME II. Identifiers: Orphanet 2751, MedGen C0026363, MONDO:0009642, OMIM 252100.
Amyotrophic lateral sclerosis, susceptibility to, 24. Identifiers: MedGen C4693523, MONDO:0054750, OMIM 617892.

Allele frequency attached by ClinVar (database versions not stated): gnomAD 0.00003 and 0.00001; ESP Exome Variant Server 0.00009; TOPMed 0.00005; gnomAD exomes 0.00012 and 0.00003; 1000 Genomes Project 0.00020; 1000 Genomes Project 30x 0.00047.
gnomAD v4.1: 42 of 1,522,414 alleles (0.0028%); highest among the groups gnomAD compares: East Asian, 0.044%; no homozygotes.

Submissions (5):

Laboratory of Genetics, Children's Clinical University Hospital Latvia
Classification: Likely pathogenic. Last evaluated: 2025-02-16. Review status: criteria provided, single submitter. Criteria: ACMG Guidelines, 2015. Collection method: clinical testing. Allele origin: germline. Affected: yes.

Blueprint Genetics
Classification: Uncertain significance. Last evaluated: 2024-11-05. Review status: criteria provided, single submitter. Criteria: ACMG Guidelines, 2015. Collection method: clinical testing. Allele origin: germline.

Labcorp Genetics (formerly Invitae), Labcorp
Classification: Likely pathogenic for Short-rib thoracic dysplasia 6 with or without polydactyly. Last evaluated: 2024-01-17. Review status: criteria provided, single submitter. Criteria: Invitae Variant Classification Sherloc (09022015). Collection method: clinical testing. Allele origin: germline.
Comment: This sequence change affects an acceptor splice site in intron 25 of the NEK1 gene. It is expected to disrupt RNA splicing. Variants that disrupt the donor or acceptor splice site typically lead to a loss of protein function (PMID: 16199547), and loss-of-function variants in NEK1 are known to be pathogenic (PMID: 22499340, 29068549). This variant is present in population databases (rs201769828, gnomAD 0.1%). Disruption of this splice site has been observed in individual(s) with amyotrophic lateral sclerosis (PMID: 30093141, 32462798). This variant is also known as c.2588-2A>G. ClinVar contains an entry for this variant (Variation ID: 1474082). Algorithms developed to predict the effect of sequence changes on RNA splicing suggest that this variant may disrupt the consensus splice site. In summary, the currently available evidence indicates that the variant is pathogenic, but additional data are needed to prove that conclusively. Therefore, this variant has been classified as Likely Pathogenic.

Fulgent Genetics
Classification: Likely pathogenic for Short-rib thoracic dysplasia 6 with or without polydactyly; Amyotrophic lateral sclerosis, susceptibility to, 24. Last evaluated: 2021-12-23. Review status: criteria provided, single submitter. Criteria: ACMG Guidelines, 2015. Collection method: clinical testing. Allele origin: unknown.

Juno Genomics, Hangzhou Juno Genomics, Inc
Classification: Likely pathogenic for Short-rib thoracic dysplasia 6 with or without polydactyly; Mohr syndrome; Amyotrophic lateral sclerosis, susceptibility to, 24. Review status: criteria provided, single submitter. Criteria: ACMG Guidelines, 2015. Collection method: clinical testing. Allele origin: germline. Affected: yes.
Comment: Absent from controls (or at extremely low frequency if recessive) in Genome Aggregation Database.;Null variant in a gene where loss of function (LOF) is a known mechanism of disease.;The prevalence of the variant in affected individuals is significantly increased compared to the prevalence in controls.;Patient's phenotype or family history is highly specific for a disease with a single genetic etiology.

Literature cited by the submitters: PubMed 16199547 (cited by Labcorp Genetics (formerly Invitae), Labcorp); PubMed 22499340 (cited by Labcorp Genetics (formerly Invitae), Labcorp); PubMed 29068549 (cited by Labcorp Genetics (formerly Invitae), Labcorp); PubMed 30093141 (cited by Labcorp Genetics (formerly Invitae), Labcorp); PubMed 32462798 (cited by Labcorp Genetics (formerly Invitae), Labcorp).